The following is an entry in ClinVar:

NM_001164508.2(NEB):c.18572A>G (p.Asn6191Ser)

Gene: NEB (nebulin; minus strand). Cytogenetic location: 2q23.3.
Variant type: single nucleotide variant.
Coding change: c.18572A>G on transcript NM_001164508.2 (MANE Select); coding-DNA position 18572, A replaced by G.
Protein change: p.Asn6191Ser; replaces asparagine 6191 with serine.
Molecular consequence: missense variant.
Genome position (GRCh38, 1-based): chr2:151,563,830, T>C on the plus strand (A>G on the coding strand, the complement: NEB is on the minus strand). VCF-style: chr2-151563830-T-C. GRCh37 (hg19) VCF-style: chr2-152420344-T-C.
Other names: c.18572A>G, p.Asn6191Ser (NM_001164507.2, NM_001271208.2); c.13469A>G, p.Asn4490Ser (NM_004543.5); short protein forms N4490S, N6191S.
Identifiers: ClinVar variation 1043437 (VCV001043437.6), dbSNP rs2096236392, ClinGen allele CA348800134.

ClinVar aggregate classification (germline): Uncertain significance (1 of 4 stars; one submission).

Conditions:
Nemaline myopathy 2 (NEM2). Also called: Nemaline myopathy 2, autosomal recessive. Identifiers: MedGen C1850569, MONDO:0009725, OMIM 256030.

Submission:

Labcorp Genetics (formerly Invitae), Labcorp
Classification: Uncertain significance for Nemaline myopathy 2. Last evaluated: 2021-08-31. Review status: criteria provided, single submitter. Criteria: Invitae Variant Classification Sherloc (09022015). Collection method: clinical testing. Allele origin: germline.
Comment: In summary, the available evidence is currently insufficient to determine the role of this variant in disease. Therefore, it has been classified as a Variant of Uncertain Significance. Algorithms developed to predict the effect of sequence changes on RNA splicing suggest that this variant may create or strengthen a splice site. Algorithms developed to predict the effect of missense changes on protein structure and function are either unavailable or do not agree on the potential impact of this missense change (SIFT: "Deleterious"; PolyPhen-2: "Not Available"; Align-GVGD: "Class C0"). This variant has not been reported in the literature in individuals affected with NEB-related conditions. This variant is not present in population databases (ExAC no frequency). This sequence change replaces asparagine with serine at codon 6191 of the NEB protein (p.Asn6191Ser). The asparagine residue is moderately conserved and there is a small physicochemical difference between asparagine and serine.